The following is an entry in ClinVar:

ClinVar aggregate classification (germline): Conflicting classifications of pathogenicity. Review status: criteria provided, conflicting classifications (1 of 4 stars). 2 submissions from 2 submitters: Uncertain significance (1); Likely benign (1). Last evaluated 2026-06-05.

Conditions:
TTN-related disorder. Also called: TTN-related disorders; TTN-related condition; TTN-related disease.
Cardiomyopathy (CMYO). Also called: Cardiomyopathies. Identifiers: Orphanet 167848, MedGen C0878544, MONDO:0004994, HP:0001638. Inheritance: Various modes of inheritance.

Allele frequency attached by ClinVar (database versions not stated): gnomAD exomes 0.00001; ExAC 0.00002; gnomAD 0.00002.
gnomAD v4.1: 18 of 1,613,634 alleles (0.0011%); highest among the groups gnomAD compares: Middle Eastern, 0.016%; no homozygotes.

Submissions (2):

PreventionGenetics, part of Exact Sciences
Classification: Uncertain significance for TTN-related condition. Last evaluated: 2026-06-05. Review status: criteria provided, single submitter. Criteria: ACMG Guidelines, 2015. Collection method: clinical testing. Allele origin: germline.
Comment: The TTN c.93553C>T variant is predicted to result in the amino acid substitution p.Arg31185Cys. To our knowledge, this variant has not been reported in the literature. This variant is reported in 0.0083% of alleles in individuals of African descent in gnomAD. At this time, the clinical significance of this variant is uncertain due to the absence of conclusive functional and genetic evidence.

CHEO Genetics Diagnostic Laboratory, Children's Hospital of Eastern Ontario
Classification: Likely benign for Cardiomyopathy. Last evaluated: 2022-07-06. Review status: criteria provided, single submitter. Criteria: ACMG Guidelines, 2015. Collection method: clinical testing. Allele origin: germline.

NM_001267550.2(TTN):c.93553C>T (p.Arg31185Cys)

Genes: TTN (titin; minus strand), TTN-AS1 (TTN antisense RNA 1; plus strand). Cytogenetic location: 2q31.2.
Variant type: single nucleotide variant.
Coding change: c.93553C>T on transcript NM_001267550.2 (MANE Select); coding-DNA position 93553, C replaced by T.
Protein change: p.Arg31185Cys; replaces arginine 31185 with cysteine.
Molecular consequence: missense variant.
Genome position (GRCh38, 1-based): chr2:178,548,073, G>A on the plus strand (C>T on the coding strand, the complement: TTN is on the minus strand). VCF-style: chr2-178548073-G-A. GRCh37 (hg19) VCF-style: chr2-179412800-G-A.
Other names: c.88630C>T, p.Arg29544Cys (NM_001256850.1); c.66358C>T, p.Arg22120Cys (NM_003319.4); c.85849C>T, p.Arg28617Cys (NM_133378.4); c.66733C>T, p.Arg22245Cys (NM_133432.3); c.66934C>T, p.Arg22312Cys (NM_133437.4); short protein forms R22120C, R22245C, R22312C, R28617C, R29544C, R31185C.
Identifiers: ClinVar variation 2691132 (VCV002691132.2), dbSNP rs768852545, ClinGen allele CA1987285.